The following is an entry in ClinVar:

ClinVar aggregate classification (germline): Conflicting classifications of pathogenicity. Review status: criteria provided, conflicting classifications (1 of 4 stars). 21 submissions from 17 submitters: Uncertain significance (3); Benign (11); Likely benign (6). 1 of the submissions does not count toward it. Last evaluated 2026-09-01.

Conditions:
Cardiovascular phenotype. Identifiers: MedGen CN230736.
TTN-related disorder. Also called: TTN-related disorders; TTN-related condition; TTN-related disease.
Dilated cardiomyopathy 1G (CMD1G). Identifiers: Orphanet 154, MedGen C1858763, MONDO:0011400, OMIM 604145.
Autosomal recessive limb-girdle muscular dystrophy type 2J (LGMDR10). Also called: MUSCULAR DYSTROPHY, LIMB-GIRDLE, AUTOSOMAL RECESSIVE 10; Limb-girdle muscular dystrophy, type 2J. Identifiers: Orphanet 140922, MedGen C1837342, MONDO:0012127, OMIM 608807.
Cardiomyopathy (CMYO). Also called: Cardiomyopathies. Identifiers: Orphanet 167848, MedGen C0878544, MONDO:0004994, HP:0001638. Inheritance: Various modes of inheritance.
Myopathy, myofibrillar, 9, with early respiratory failure (MFM9). Also called: Myopathy, distal, with early respiratory failure, autosomal dominant; Hereditary myopathy with early respiratory failure; MYOPATHY, PROXIMAL, WITH EARLY RESPIRATORY MUSCLE INVOLVEMENT; EDSTROM MYOPATHY. Identifiers: Orphanet 178464, Orphanet 34521, MedGen C1863599, MONDO:0011362, OMIM 603689.
Early-onset myopathy with fatal cardiomyopathy (CMYO5). Also called: CONGENITAL MYOPATHY 5 WITH CARDIOMYOPATHY; Salih Myopathy. Identifiers: Orphanet 289377, MedGen C2673677, MONDO:0012714, OMIM 611705. Disease mechanism: loss of function.
Tibial muscular dystrophy (TMD). Also called: Udd Distal Myopathy – Tibial Muscular Dystrophy; Tibial muscular dystrophy, tardive; UDD MYOPATHY. Identifiers: Orphanet 609, MedGen C1838244, MONDO:0010870, OMIM 600334.

Allele frequency attached by ClinVar (database versions not stated): 1000 Genomes Project 30x 0.00156; ESP Exome Variant Server 0.00263; gnomAD 0.00290 and 0.00250; 1000 Genomes Project 0.00180; ExAC 0.00291; TOPMed 0.00397; gnomAD exomes 0.00288.
gnomAD v4.1: 4,686 of 1,612,506 alleles (0.29%); highest among the groups gnomAD compares: Middle Eastern, 2.2%; 22 homozygotes.

Submissions (21):

CeGaT Center for Human Genetics Tuebingen
Classification: Likely benign. Last evaluated: 2026-09-01. Review status: criteria provided, single submitter. Criteria: CeGaT Center For Human Genetics Tuebingen Variant Classification Criteria Version 2. Collection method: clinical testing. Allele origin: germline. Affected: yes. Observed: 93 variant alleles.
Comment: TTN: BS1

Molecular Diagnostic Laboratory for Inherited Cardiovascular Disease, Montreal Heart Institute
Classification: Likely benign. Last evaluated: 2026-03-27. Review status: criteria provided, single submitter. Criteria: ACMG Guidelines, 2015. Collection method: clinical testing. Allele origin: germline. Affected: no.

Labcorp Genetics (formerly Invitae), Labcorp
Classification: Benign for Dilated cardiomyopathy 1G; Autosomal recessive limb-girdle muscular dystrophy type 2J. Last evaluated: 2026-02-03. Review status: criteria provided, single submitter. Criteria: Invitae Variant Classification Sherloc (09022015). Collection method: clinical testing. Allele origin: germline.

Blueprint Genetics
Classification: Likely benign. Last evaluated: 2024-11-12. Review status: criteria provided, single submitter. Criteria: ACMG Guidelines, 2015. Collection method: clinical testing. Allele origin: germline.

Athena Diagnostics
Classification: Benign. Last evaluated: 2024-05-07. Review status: criteria provided, single submitter. Criteria: Athena Diagnostics Criteria. Collection method: clinical testing. Allele origin: unknown.

Mayo Clinic Laboratories, Mayo Clinic
Classification: Benign. Last evaluated: 2023-03-23. Review status: criteria provided, single submitter. Criteria: ACMG Guidelines, 2015. Collection method: clinical testing. Allele origin: germline. Observed: 30 variant alleles.
Comment: BS1, BS2

Ambry Genetics
Classification: Benign for Cardiovascular phenotype. Last evaluated: 2019-08-27. Review status: criteria provided, single submitter. Criteria: Ambry Autosomal Dominant and X-Linked criteria (3/2017). Collection method: clinical testing. Allele origin: germline. Observed: 1 variant allele.
Comment: General population or subpopulation frequency is too high to be a pathogenic mutation based on disease/syndrome prevalence and penetrance;In silico models in agreement (benign)

Women's Health and Genetics/Laboratory Corporation of America, LabCorp
Classification: Likely benign. Last evaluated: 2019-08-09. Review status: criteria provided, single submitter. Criteria: LabCorp Variant Classification Summary - May 2015. Collection method: clinical testing. Allele origin: germline.

Center for Advanced Laboratory Medicine, UC San Diego Health, University of California San Diego
Classification: Benign for Cardiomyopathy. Last evaluated: 2018-12-31. Review status: criteria provided, single submitter. Criteria: ACMG Guidelines, 2015. Collection method: clinical testing. Allele origin: germline. Affected: yes. Observed: 4 variant alleles.

CHEO Genetics Diagnostic Laboratory, Children's Hospital of Eastern Ontario
Classification: Benign for Cardiomyopathy. Last evaluated: 2018-11-28. Review status: criteria provided, single submitter. Criteria: ACMG Guidelines, 2015. Collection method: clinical testing. Allele origin: germline.

ARUP Laboratories, Molecular Genetics and Genomics, ARUP Laboratories
Classification: Benign. Last evaluated: 2018-09-13. Review status: criteria provided, single submitter. Criteria: ARUP Molecular Germline Variant Investigation Process. Collection method: clinical testing. Allele origin: germline.

Illumina Laboratory Services, Illumina
Classification: Benign for Tibial muscular dystrophy. Last evaluated: 2018-01-13. Review status: criteria provided, single submitter. Criteria: ICSL Variant Classification Criteria 13 December 2019. Collection method: clinical testing. Allele origin: germline.
Comment: This variant was observed in the ICSL laboratory as part of a predisposition screen in an ostensibly healthy population. It had not been previously curated by ICSL or reported in the Human Gene Mutation Database (HGMD: prior to June 1st, 2018), and was therefore a candidate for classification through an automated scoring system. Utilizing variant allele frequency, disease prevalence and penetrance estimates, and inheritance mode, an automated score was calculated to assess if this variant is too frequent to cause the disease. Based on the score and internal cut-off values, a variant classified as benign is not then subjected to further curation. The score for this variant resulted in a classification of benign for this disease.

Illumina Laboratory Services, Illumina
Classification: Uncertain significance for Early-onset myopathy with fatal cardiomyopathy. Last evaluated: 2018-01-13. Review status: criteria provided, single submitter. Criteria: ICSL Variant Classification Criteria 13 December 2019. Collection method: clinical testing. Allele origin: germline.

Illumina Laboratory Services, Illumina
Classification: Benign for Myopathy, myofibrillar, 9, with early respiratory failure. Last evaluated: 2018-01-13. Review status: criteria provided, single submitter. Criteria: ICSL Variant Classification Criteria 13 December 2019. Collection method: clinical testing. Allele origin: germline.
Comment: the same text as in the submission from Illumina Laboratory Services, Illumina above.

Illumina Laboratory Services, Illumina
Classification: Uncertain significance for Autosomal recessive limb-girdle muscular dystrophy type 2J. Last evaluated: 2018-01-13. Review status: criteria provided, single submitter. Criteria: ICSL Variant Classification Criteria 13 December 2019. Collection method: clinical testing. Allele origin: germline.

Illumina Laboratory Services, Illumina
Classification: Uncertain significance for Dilated cardiomyopathy 1G. Last evaluated: 2018-01-13. Review status: criteria provided, single submitter. Criteria: ICSL Variant Classification Criteria 13 December 2019. Collection method: clinical testing. Allele origin: germline.

GeneDx
Classification: Benign. Last evaluated: 2017-07-25. Review status: criteria provided, single submitter. Criteria: GeneDx Variant Classification (06012015). Collection method: clinical testing. Allele origin: germline. Affected: yes.
Comment: This variant is considered likely benign or benign based on one or more of the following criteria: it is a conservative change, it occurs at a poorly conserved position in the protein, it is predicted to be benign by multiple in silico algorithms, and/or has population frequency not consistent with disease.

Eurofins Ntd Llc (ga)
Classification: Likely benign. Last evaluated: 2015-07-17. Review status: criteria provided, single submitter. Criteria: EGL Classification Definitions 2015. Collection method: clinical testing. Allele origin: germline. Observed: 2 variant alleles, 2 heterozygotes.

Biesecker Lab/Clinical Genomics Section, National Institutes of Health
Classification: Benign. Last evaluated: 2013-06-24. Review status: criteria provided, single submitter. Criteria: Ng et al. (Circ Cardiovasc Genet. 2013). Collection method: research. Allele origin: unknown. Observed: 4 variant alleles. Study: ClinSeq.
Comment: The study set was not selected for affection status in relation to any cancer. Pathogenicity categories were based on literature curation. See Pubmed ID:23861362 for details.

Medical sequencing

Laboratory for Molecular Medicine, Mass General Brigham Personalized Medicine
Classification: Likely benign. Last evaluated: 2012-01-18. Review status: criteria provided, single submitter. Criteria: LMM Criteria. Collection method: clinical testing. Allele origin: germline. Observed: 11 variant alleles.
Comment: p.Asp29049Glu in exon 291 TTN: This variant is not expected to have clinical sig nificance because it has been identified in 0.4% (250/65490) of European chromos omes by the Exome Aggregation Consortium (ExAC; dbSNP rs72648256).

PreventionGenetics, part of Exact Sciences
Classification: Benign for TTN-related condition. Last evaluated: 2019-07-12. Review status: no assertion criteria provided. Collection method: clinical testing. Allele origin: germline. Not counted in ClinVar's aggregate classification.
Comment: This variant is classified as benign based on ACMG/AMP sequence variant interpretation guidelines (Richards et al. 2015 PMID: 25741868, with internal and published modifications).

Literature cited by the submitters: PubMed 35200695 (cited by Athena Diagnostics); PubMed 28771489 (cited by Athena Diagnostics); PubMed 26516846 (cited by Athena Diagnostics).

NM_001267550.2(TTN):c.94851T>A (p.Asp31617Glu)

Genes: TTN (titin; minus strand), TTN-AS1 (TTN antisense RNA 1; plus strand). Cytogenetic location: 2q31.2.
Variant type: single nucleotide variant.
Coding change: c.94851T>A on transcript NM_001267550.2 (MANE Select); coding-DNA position 94851, T replaced by A.
Protein change: p.Asp31617Glu; replaces aspartic acid 31617 with glutamic acid.
Molecular consequence: missense variant.
Genome position (GRCh38, 1-based): chr2:178,546,480, A>T on the plus strand (T>A on the coding strand, the complement: TTN is on the minus strand). VCF-style: chr2-178546480-A-T. GRCh37 (hg19) VCF-style: chr2-179411207-A-T.
Other names: p.D29976E:GAT>GAA; c.89928T>A, p.Asp29976Glu (NM_001256850.1); c.67656T>A, p.Asp22552Glu (NM_003319.4); c.87147T>A, p.Asp29049Glu (NM_133378.4); c.68031T>A, p.Asp22677Glu (NM_133432.3); c.68232T>A, p.Asp22744Glu (NM_133437.4); short protein forms D31617E, D29049E, D29976E, D22552E, D22677E, D22744E.
Identifiers: ClinVar variation 47545 (VCV000047545.76), dbSNP rs72648256, ClinGen allele CA141313.